The following is an entry in ClinVar:

ClinVar aggregate classification (germline): Uncertain significance (1 of 4 stars; one submission).

gnomAD v4.1: 2 of 1,614,150 alleles (0.00012%); highest among the groups gnomAD compares: Non-Finnish European, 0.000085%; no homozygotes.

Submission:

Labcorp Genetics (formerly Invitae), Labcorp
Classification: Uncertain significance. Last evaluated: 2022-04-02. Review status: criteria provided, single submitter. Criteria: Invitae Variant Classification Sherloc (09022015). Collection method: clinical testing. Allele origin: germline.
Comment: Algorithms developed to predict the effect of missense changes on protein structure and function (SIFT, PolyPhen-2, Align-GVGD) all suggest that this variant is likely to be disruptive. In summary, the available evidence is currently insufficient to determine the role of this variant in disease. Therefore, it has been classified as a Variant of Uncertain Significance. This variant has not been reported in the literature in individuals affected with DNASE1L3-related conditions. This variant is not present in population databases (gnomAD no frequency). This sequence change replaces arginine, which is basic and polar, with leucine, which is neutral and non-polar, at codon 51 of the DNASE1L3 protein (p.Arg51Leu).

NM_004944.4(DNASE1L3):c.152G>T (p.Arg51Leu)

Gene: DNASE1L3 (deoxyribonuclease 1L3; minus strand). Cytogenetic location: 3p14.3.
Variant type: single nucleotide variant.
Coding change: c.152G>T on transcript NM_004944.4 (MANE Select); coding-DNA position 152, G replaced by T.
Protein change: p.Arg51Leu; replaces arginine 51 with leucine.
Molecular consequence: missense variant.
Genome position (GRCh38, 1-based): chr3:58,208,296, C>A on the plus strand (G>T on the coding strand, the complement: DNASE1L3 is on the minus strand). VCF-style: chr3-58208296-C-A. GRCh37 (hg19) VCF-style: chr3-58194023-C-A.
Other names: c.152G>T, p.Arg51Leu (NM_001256560.2); short protein forms R51L.
Identifiers: ClinVar variation 2120885 (VCV002120885.4), dbSNP rs372315713, ClinGen allele CA353341066.
Genomic context (GRCh38, chr3:58,208,296, plus strand): 5'-AGTATGGGGCAGATCCTGTTGTTGCTGTCCTTGATTTCCATCACGAGTATGATGTCACAG[C>A]GTTTGATGACCTGCAAGAAAGAGAATTCCCAGGGGTTTGAGGTCATTTACCACAGATAAA-3'
Protein context (NP_004935.1, residues 41-61): AMDVIVKVIK[Arg51Leu]CDIILVMEIK